The following is an entry in ClinVar:

NM_032043.3(BRIP1):c.785A>C (p.Glu262Ala)

Gene: BRIP1 (BRCA1 interacting DNA helicase 1; minus strand). Cytogenetic location: 17q23.2.
Variant type: single nucleotide variant.
Coding change: c.785A>C on transcript NM_032043.3 (MANE Select); coding-DNA position 785, A replaced by C.
Protein change: p.Glu262Ala; replaces glutamic acid 262 with alanine.
Molecular consequence: missense variant.
Genome position (GRCh38, 1-based): chr17:61,808,600, T>G on the plus strand (A>C on the coding strand, the complement: BRIP1 is on the minus strand). VCF-style: chr17-61808600-T-G. GRCh37 (hg19) VCF-style: chr17-59885961-T-G.
Other names: short protein forms E262A.
Identifiers: ClinVar variation 229938 (VCV000229938.21), dbSNP rs876658283, ClinGen allele CA10580859.
Genomic context (GRCh38, chr17:61,808,600, plus strand): 5'-GTATGATCCCTGCTGGAAAGAATAGTCATTGGAACCCCTGAATATGCCGTCCTCCGGAGC[T>G]CTCTAGTAATCTGAGCAATCTGCTTGTGTGTGCGTGTCCCAAAATATATTTTGGGTATCT-3'
Protein context (NP_114432.2, residues 252-272): THKQIAQITR[Glu262Ala]LRRTAYSGVP

ClinVar aggregate classification (germline): Uncertain significance. Review status: criteria provided, multiple submitters, no conflicts (2 of 4 stars). 5 submissions from 5 submitters: Uncertain significance (4). 1 of the submissions does not count toward it. Last evaluated 2025-10-15.

Conditions:
Fanconi anemia complementation group J. Also called: BRIP1-Related Fanconi Anemia. Identifiers: Orphanet 84, MedGen C1836860, MONDO:0012187, OMIM 609054.
Familial cancer of breast. Also called: Hereditary breast cancer; hereditary breast carcinoma; BREAST CANCER, FAMILIAL. Identifiers: Orphanet 227535, MedGen C0346153, MONDO:0016419, OMIM 114480. Disease mechanism: loss of function.
Hereditary cancer-predisposing syndrome. Also called: Hereditary Cancer Syndrome; Neoplastic Syndromes, Hereditary; Tumor predisposition; Hereditary neoplastic syndrome. Identifiers: Orphanet 140162, MedGen C0027672, MeSH D009386, MONDO:0015356.

Allele frequency attached by ClinVar (database versions not stated): gnomAD exomes below 0.00001; TOPMed 0.00001.
gnomAD v4.1: 3 of 1,613,952 alleles (0.00019%); highest among the groups gnomAD compares: Non-Finnish European, 0.00025%; no homozygotes.

Submissions (5):

Labcorp Genetics (formerly Invitae), Labcorp
Classification: Uncertain significance for Familial cancer of breast; Fanconi anemia complementation group J. Last evaluated: 2025-10-15. Review status: criteria provided, single submitter. Criteria: Invitae Variant Classification Sherloc (09022015). Collection method: clinical testing. Allele origin: germline.
Comment: This sequence change replaces glutamic acid, which is acidic and polar, with alanine, which is neutral and non-polar, at codon 262 of the BRIP1 protein (p.Glu262Ala). This variant is not present in population databases (gnomAD no frequency). This missense change has been observed in individual(s) with pancreatic cancer (PMID: 28767289). ClinVar contains an entry for this variant (Variation ID: 229938). Invitae Evidence Modeling of protein sequence and biophysical properties (such as structural, functional, and spatial information, amino acid conservation, physicochemical variation, residue mobility, and thermodynamic stability) has been performed for this missense variant. However, the output from this modeling did not meet the statistical confidence thresholds required to predict the impact of this variant on BRIP1 protein function. In summary, the available evidence is currently insufficient to determine the role of this variant in disease. Therefore, it has been classified as a Variant of Uncertain Significance.

Quest Diagnostics Nichols Institute San Juan Capistrano
Classification: Uncertain significance. Last evaluated: 2025-05-05. Review status: criteria provided, single submitter. Criteria: Quest Diagnostics criteria. Collection method: clinical testing. Allele origin: unknown.
Comment: The BRIP1 c.785A>C (p.Glu262Ala) variant has been reported in the published literature in individuals with pancreatic cancer (PMID: 28767289 (2017), 32659497 (2020)), breast and ovarian cancer (PMID: 31822495 (2020)), as well as in a reportedly unaffected individual in a large scale breast cancer association study (PMID: 33471991 (2021), see also LOVD). This variant has not been reported in large, multi-ethnic general populations (Genome Aggregation Database). Analysis of this variant using bioinformatics tools for the prediction of the effect of amino acid changes on protein structure and function yielded predictions that this variant is damaging. Based on the available information, we are unable to determine the clinical significance of this variant.

Ambry Genetics
Classification: Uncertain significance for Hereditary cancer-predisposing syndrome. Last evaluated: 2024-07-25. Review status: criteria provided, single submitter. Criteria: Ambry Variant Classification Scheme 2023. Collection method: clinical testing. Allele origin: germline.
Comment: The p.E262A variant (also known as c.785A>C), located in coding exon 6 of the BRIP1 gene, results from an A to C substitution at nucleotide position 785. The glutamic acid at codon 262 is replaced by alanine, an amino acid with dissimilar properties. This alteration has been identified in cohorts of patients with pancreatic cancer or other periampullary neoplasms tested for hereditary cancer risk via a multi-gene panel. (Shindo K et al. J Clin Oncol, 2017 Oct;35:3382-3390; Hu H et al. J Am Coll Surg, 2020 11;231:527-535.e14). This amino acid position is highly conserved in available vertebrate species. In addition, this alteration is predicted to be deleterious by in silico analysis. Based on the available evidence, the clinical significance of this variant remains unclear.

Color Diagnostics, LLC DBA Color Health
Classification: Uncertain significance for Hereditary cancer-predisposing syndrome. Last evaluated: 2020-09-15. Review status: criteria provided, single submitter. Criteria: ACMG Guidelines, 2015. Collection method: clinical testing. Allele origin: germline.
Comment: This missense variant replaces glutamic acid with alanine at codon 262 of the BRIP1 protein. Computational prediction suggests that this variant may have deleterious impact on protein structure and function (internally defined REVEL score threshold >= 0.7, PMID: 27666373). To our knowledge, functional studies have not been reported for this variant. This variant has been reported in an individual affected with pancreatic cancer (PMID: 32659497). This variant has not been identified in the general population by the Genome Aggregation Database (gnomAD). The available evidence is insufficient to determine the role of this variant in disease conclusively. Therefore, this variant is classified as a Variant of Uncertain Significance.

True Health Diagnostics
Classification: Uncertain significance for Hereditary cancer-predisposing syndrome. Last evaluated: 2017-10-16. Review status: no assertion criteria provided. Collection method: clinical testing. Allele origin: germline. Not counted in ClinVar's aggregate classification.

Literature cited by the submitters: PubMed 28767289 (cited by 3 submitters); PubMed 33471991 (cited by Quest Diagnostics Nichols Institute San Juan Capistrano); PubMed 32659497 (cited by Quest Diagnostics Nichols Institute San Juan Capistrano and Ambry Genetics); PubMed 31822495 (cited by Quest Diagnostics Nichols Institute San Juan Capistrano).